The following is an entry in ClinVar:

NM_003070.5(SMARCA2):c.3202C>T (p.Arg1068Ter)

Gene: SMARCA2 (SWI/SNF related BAF chromatin remodeling complex subunit ATPase 2; plus strand). Cytogenetic location: 9p24.3.
Variant type: single nucleotide variant.
Coding change: c.3202C>T on transcript NM_003070.5 (MANE Select); coding-DNA position 3202, C replaced by T.
Protein change: p.Arg1068Ter; replaces arginine 1068 with a stop codon.
Molecular consequence: nonsense.
Genome position (GRCh38, 1-based): chr9:2,104,079, C>T. VCF-style: chr9-2104079-C-T. GRCh37 (hg19) VCF-style: chr9-2104079-C-T.
Other names: c.3202C>T, p.Arg1068Ter (NM_001289396.2, NM_139045.4); c.3028C>T, p.Arg1010Ter (NM_001289397.2); short protein forms R1010*, R1068*.
Identifiers: ClinVar variation 3342862 (VCV003342862.1).

ClinVar aggregate classification (germline): Likely pathogenic (1 of 4 stars; one submission).

gnomAD v4.1: 2 of 1,614,016 alleles (0.00012%); highest among the groups gnomAD compares: Non-Finnish European, 0.00017%; no homozygotes.

Submission:

GeneDx
Classification: Likely pathogenic. Last evaluated: 2023-10-23. Review status: criteria provided, single submitter. Criteria: GeneDx Variant Classification Process June 2021. Collection method: clinical testing. Allele origin: germline. Affected: yes.
Comment: Not observed at significant frequency in large population cohorts (gnomAD); Nonsense variant predicted to result in protein truncation or nonsense mediated decay in a gene or region of a gene for which loss of function is not a well-established mechanism of disease; This variant is associated with the following publications: (PMID: 34308104)